The following is an entry in ClinVar:

NM_024837.4(ATP8B4):c.348G>A (p.Val116=)

Gene: ATP8B4 (ATPase phospholipid transporting 8B4 (putative); minus strand). Cytogenetic location: 15q21.2.
Variant type: single nucleotide variant.
Coding change: c.348G>A on transcript NM_024837.4 (MANE Select); coding-DNA position 348, G replaced by A.
Protein change: p.Val116=; no amino-acid change (valine 116 retained).
Molecular consequence: synonymous variant. On other transcripts: non-coding transcript variant (3).
Genome position (GRCh38, 1-based): chr15:50,038,782, C>T on the plus strand (G>A on the coding strand, the complement: ATP8B4 is on the minus strand). VCF-style: chr15-50038782-C-T. GRCh37 (hg19) VCF-style: chr15-50330979-C-T.
Identifiers: ClinVar variation 2645324 (VCV002645324.24), dbSNP rs150442623, ClinGen allele CA7553733.

ClinVar aggregate classification (germline): Likely benign (1 of 4 stars; one submission).

Allele frequency attached by ClinVar (database versions not stated): 1000 Genomes Project 30x 0.00125; 1000 Genomes Project 0.00140; ESP Exome Variant Server 0.00216; gnomAD 0.00236; ExAC 0.00240; TOPMed 0.00268; gnomAD exomes 0.00292.
gnomAD v4.1: 4,683 of 1,613,136 alleles (0.29%); highest among the groups gnomAD compares: Non-Finnish European, 0.32%; 18 homozygotes.

Submission:

CeGaT Center for Human Genetics Tuebingen
Classification: Likely benign. Last evaluated: 2023-02-01. Review status: criteria provided, single submitter. Criteria: CeGaT Center For Human Genetics Tuebingen Variant Classification Criteria Version 2. Collection method: clinical testing. Allele origin: germline. Affected: yes. Observed: 1 variant allele.
Comment: ATP8B4: BP4, BP7